The following is an entry in ClinVar:

ClinVar aggregate classification (germline): Uncertain significance (1 of 4 stars; one submission).

Submission:

Dasa
Classification: Uncertain significance. Last evaluated: 2025-07-10. Review status: criteria provided, single submitter. Criteria: DASA Assertion Criteria. Collection method: clinical testing. Allele origin: germline.
Comment: NM_031157.4(HNRNPA1):c.689G>A (p.Gly230Asp) is a missense variant that results in the substitution of glycine with aspartic acid. This variant is absent from population databases. The currently available literature and clinical evidence are not sufficient to establish a definitive association between this variant and the reported condition. Therefore, this variant is classified as a variant of uncertain significance.

NM_031157.4(HNRNPA1):c.689G>A (p.Gly230Asp)

Gene: HNRNPA1 (heterogeneous nuclear ribonucleoprotein A1; plus strand). Cytogenetic location: 12q13.13.
Variant type: single nucleotide variant.
Coding change: c.689G>A on transcript NM_031157.4 (MANE Select); coding-DNA position 689, G replaced by A.
Protein change: p.Gly230Asp; replaces glycine 230 with aspartic acid.
Molecular consequence: missense variant. On other transcripts: non-coding transcript variant (1).
Genome position (GRCh38, 1-based): chr12:54,282,812, G>A. VCF-style: chr12-54282812-G-A. GRCh37 (hg19) VCF-style: chr12-54676596-G-A.
Other names: c.689G>A, p.Gly230Asp (NM_002136.4); short protein forms G230D.
Identifiers: ClinVar variation 4885696 (VCV004885696.2).